The following is an entry in ClinVar:

NM_003611.3(OFD1):c.179G>A (p.Arg60Gln)

Gene: OFD1 (OFD1 centriole and centriolar satellite protein; plus strand). Cytogenetic location: Xp22.2.
Variant type: single nucleotide variant.
Coding change: c.179G>A on transcript NM_003611.3 (MANE Select); coding-DNA position 179, G replaced by A.
Protein change: p.Arg60Gln; replaces arginine 60 with glutamine.
Molecular consequence: missense variant. On other transcripts: 5 prime UTR variant (1).
Genome position (GRCh38, 1-based): chrX:13,736,545, G>A. VCF-style: chrX-13736545-G-A. GRCh37 (hg19) VCF-style: chrX-13754664-G-A.
Other names: c.179G>A, p.Arg60Gln (NM_001330209.2); c.-367G>A (NM_001330210.2); short protein forms R60Q.
Identifiers: ClinVar variation 3763642 (VCV003763642.2).

ClinVar aggregate classification (germline): Uncertain significance (1 of 4 stars; one submission).

Conditions:
Joubert syndrome. Also called: CEREBELLOPARENCHYMAL DISORDER IV; JOUBERT-BOLTSHAUSER SYNDROME; Familial aplasia of the vermis. Identifiers: Orphanet 475, MedGen C5979921, MONDO:0018772.
Orofaciodigital syndrome I (OFD1). Also called: OFDS I; Papillon-Leage and Psaume Syndrome; Oral-Facial-Digital Syndrome Type I. Identifiers: Orphanet 2750, MedGen C1510460, MONDO:0010702, OMIM 311200.

gnomAD v4.1: 13 of 1,210,542 alleles (0.0011%); highest among the groups gnomAD compares: Non-Finnish European, 0.0012%; no homozygotes.

Submission:

Labcorp Genetics (formerly Invitae), Labcorp
Classification: Uncertain significance for Orofaciodigital syndrome I; Joubert syndrome. Last evaluated: 2025-08-23. Review status: criteria provided, single submitter. Criteria: Invitae Variant Classification Sherloc (09022015). Collection method: clinical testing. Allele origin: germline.
Comment: This sequence change replaces arginine, which is basic and polar, with glutamine, which is neutral and polar, at codon 60 of the OFD1 protein (p.Arg60Gln). This variant is present in population databases (rs747478925, gnomAD 0.007%). This variant has not been reported in the literature in individuals affected with OFD1-related conditions. ClinVar contains an entry for this variant (Variation ID: 3763642). Invitae Evidence Modeling of protein sequence and biophysical properties (such as structural, functional, and spatial information, amino acid conservation, physicochemical variation, residue mobility, and thermodynamic stability) indicates that this missense variant is not expected to disrupt OFD1 protein function with a negative predictive value of 80%. In summary, the available evidence is currently insufficient to determine the role of this variant in disease. Therefore, it has been classified as a Variant of Uncertain Significance.